The following is an entry in ClinVar:

NM_001161352.2(KCNMA1):c.61A>G (p.Ser21Gly)

Gene: KCNMA1 (potassium calcium-activated channel subfamily M alpha 1; minus strand). Cytogenetic location: 10q22.3.
Variant type: single nucleotide variant.
Coding change: c.61A>G on transcript NM_001161352.2 (MANE Select); coding-DNA position 61, A replaced by G.
Protein change: p.Ser21Gly; replaces serine 21 with glycine.
Molecular consequence: missense variant.
Genome position (GRCh38, 1-based): chr10:77,637,582, T>C on the plus strand (A>G on the coding strand, the complement: KCNMA1 is on the minus strand). VCF-style: chr10-77637582-T-C. GRCh37 (hg19) VCF-style: chr10-79397340-T-C.
Other names: c.61A>G, p.Ser21Gly (NM_001014797.3, NM_001161353.2, NM_001271518.2 and 13 more transcripts); short protein forms S21G.
Identifiers: ClinVar variation 3641927 (VCV003641927.2).

ClinVar aggregate classification (germline): Uncertain significance (1 of 4 stars; one submission).

Conditions:
Generalized epilepsy-paroxysmal dyskinesia syndrome (PNKD3). Also called: Generalized epilepsy and paroxysmal dyskinesia; Paroxysmal nonkinesigenic dyskinesia, 3, with or without generalized epilepsy. Identifiers: Orphanet 79137, MedGen C5574945, MONDO:0012276, OMIM 609446.

gnomAD v4.1: 1 of 1,532,248 alleles (0.000065%); highest among the groups gnomAD compares: South Asian, 0.0012%; no homozygotes.

Submission:

Labcorp Genetics (formerly Invitae), Labcorp
Classification: Uncertain significance for Generalized epilepsy-paroxysmal dyskinesia syndrome. Last evaluated: 2024-02-18. Review status: criteria provided, single submitter. Criteria: Invitae Variant Classification Sherloc (09022015). Collection method: clinical testing. Allele origin: germline.
Comment: This sequence change replaces serine, which is neutral and polar, with glycine, which is neutral and non-polar, at codon 21 of the KCNMA1 protein (p.Ser21Gly). This variant is not present in population databases (gnomAD no frequency). This variant has not been reported in the literature in individuals affected with KCNMA1-related conditions. Experimental studies and prediction algorithms are not available or were not evaluated, and the functional significance of this variant is currently unknown. In summary, the available evidence is currently insufficient to determine the role of this variant in disease. Therefore, it has been classified as a Variant of Uncertain Significance.